The following is an entry in ClinVar:

ClinVar aggregate classification (germline): Uncertain significance (1 of 4 stars; one submission).

Submission:

Women's Health and Genetics/Laboratory Corporation of America, LabCorp
Classification: Uncertain significance. Last evaluated: 2025-07-09. Review status: criteria provided, single submitter. Criteria: LabCorp Variant Classification Summary - May 2015. Collection method: clinical testing. Allele origin: germline.
Comment: Variant summary: TNXB c.2555C>T (p.Thr852Ile) results in a non-conservative amino acid change in the encoded protein sequence. Algorithms developed to predict the effect of missense changes on protein structure and function are either unavailable or do not agree on the potential impact of this missense change. The variant was absent in 247758 control chromosomes. The available data on variant occurrences in the general population are insufficient to allow any conclusion about variant significance. To our knowledge, no occurrence of c.2555C>T in individuals affected with Ehlers-Danlos syndrome due to tenascin-X deficiency and no experimental evidence demonstrating its impact on protein function have been reported. No submitters have cited clinical-significance assessments for this variant to ClinVar. Based on the evidence outlined above, the variant was classified as uncertain significance.

NM_001365276.2(TNXB):c.2555C>T (p.Thr852Ile)

Gene: TNXB (tenascin XB; minus strand). Cytogenetic location: 6p21.33.
Variant type: single nucleotide variant.
Coding change: c.2555C>T on transcript NM_001365276.2 (MANE Select); coding-DNA position 2555, C replaced by T.
Protein change: p.Thr852Ile; replaces threonine 852 with isoleucine.
Molecular consequence: missense variant.
Genome position (GRCh38, 1-based): chr6:32,089,009, G>A on the plus strand (C>T on the coding strand, the complement: TNXB is on the minus strand). VCF-style: chr6-32089009-G-A. GRCh37 (hg19) VCF-style: chr6-32056786-G-A.
Other names: c.2555C>T, p.Thr852Ile (NM_001428335.1, NM_019105.8); short protein forms T852I.
Identifiers: ClinVar variation 4526067 (VCV004526067.1).